The following is an entry in ClinVar:

ClinVar aggregate classification (germline): Pathogenic (1 of 4 stars; one submission).

Conditions:
Familial adenomatous polyposis 1 (FAP1). Also called: POLYPOSIS, ADENOMATOUS INTESTINAL; FAMILIAL ADENOMATOUS POLYPOSIS 1, ATTENUATED. Identifiers: MedGen C2713442, MONDO:0021056, OMIM 175100. Disease mechanism: loss of function.

Submission:

Labcorp Genetics (formerly Invitae), Labcorp
Classification: Pathogenic for Familial adenomatous polyposis 1. Last evaluated: 2020-04-26. Review status: criteria provided, single submitter. Criteria: Invitae Variant Classification Sherloc (09022015). Collection method: clinical testing. Allele origin: germline.
Comment: A gross deletion of the genomic region encompassing the full coding sequence of the APC gene has been identified. The boundaries of this event are unknown as the deletion extends beyond the assayed region for this gene and therefore may encompass additional genes. Similar deletions encompassing the entire APC sequence have been observed in individuals with familial adenomatous polyposis (PMID: 18487285, 19279422, 21643010). ClinVar contains an entry for this variant (Variation ID: 236555) Loss-of-function variants in APC are known to be pathogenic (PMID: 17963004, 20685668). For these reasons, this variant has been classified as Pathogenic.

Literature cited by the submitters: PubMed 18487285; PubMed 19279422; PubMed 21643010; PubMed 17963004; PubMed 20685668.

NC_000005.9:g.(?_112090588)_(112179823_?)del

Gene: APC (APC regulator of Wnt signaling pathway; plus strand). Cytogenetic location: 5q22.2.
Variant type: Deletion.
Identifiers: ClinVar variation 1073063 (VCV001073063.1).